The following is an entry in ClinVar:

ClinVar aggregate classification (germline): Uncertain significance (1 of 4 stars; one submission).

Conditions:
Dystonic disorder. Also called: Dystonia. Identifiers: MedGen C0013421, MONDO:0003441, HP:0001332.

Allele frequency attached by ClinVar (database versions not stated): gnomAD exomes 0.00001; TOPMed 0.00001; ExAC 0.00004.
gnomAD v4.1: 2 of 1,568,480 alleles (0.00013%); highest among the groups gnomAD compares: East Asian, 0.0023%; no homozygotes.

Submission:

Labcorp Genetics (formerly Invitae), Labcorp
Classification: Uncertain significance for Dystonia. Last evaluated: 2019-04-17. Review status: criteria provided, single submitter. Criteria: Invitae Variant Classification Sherloc (09022015). Collection method: clinical testing. Allele origin: germline.
Comment: This sequence change replaces alanine with valine at codon 858 of the CIZ1 protein (p.Ala858Val). The alanine residue is highly conserved and there is a small physicochemical difference between alanine and valine. The frequency data for this variant in the population databases is considered unreliable, as metrics indicate poor data quality at this position in the ExAC database. This variant has not been reported in the literature in individuals with CIZ1-related conditions. Algorithms developed to predict the effect of missense changes on protein structure and function (SIFT, PolyPhen-2, Align-GVGD) all suggest that this variant is likely to be disruptive, but these predictions have not been confirmed by published functional studies and their clinical significance is uncertain. In summary, the available evidence is currently insufficient to determine the role of this variant in disease. Therefore, it has been classified as a Variant of Uncertain Significance.

NM_001131016.2(CIZ1):c.2573C>T (p.Ala858Val)

Gene: CIZ1 (CDKN1A interacting zinc finger protein 1; minus strand). Cytogenetic location: 9q34.11.
Variant type: single nucleotide variant.
Coding change: c.2573C>T on transcript NM_001131016.2 (MANE Select); coding-DNA position 2573, C replaced by T.
Protein change: p.Ala858Val; replaces alanine 858 with valine.
Molecular consequence: missense variant.
Genome position (GRCh38, 1-based): chr9:128,166,321, G>A on the plus strand (C>T on the coding strand, the complement: CIZ1 is on the minus strand). VCF-style: chr9-128166321-G-A. GRCh37 (hg19) VCF-style: chr9-130928600-G-A.
Other names: c.2405C>T, p.Ala802Val (NM_001131015.2); c.2390C>T, p.Ala797Val (NM_001131017.2); c.2333C>T, p.Ala778Val (NM_001131018.2); c.2741C>T, p.Ala914Val (NM_001257975.2); c.2270C>T, p.Ala757Val (NM_001257976.2); c.2573C>T, p.Ala858Val (NM_012127.3); short protein forms A797V, A914V, A757V, A802V, A858V, A778V.
Identifiers: ClinVar variation 948600 (VCV000948600.1), dbSNP rs766419405, ClinGen allele CA5256967.